The following is an entry in ClinVar:

ClinVar aggregate classification (germline): Uncertain significance (1 of 4 stars; one submission).

Conditions:
Candidiasis, familial, 8 (CANDF8). Identifiers: Orphanet 1334, MedGen C3714992, MONDO:0014230, OMIM 615527.

gnomAD v4.1: 2 of 1,614,240 alleles (0.00012%); highest among the groups gnomAD compares: Non-Finnish European, 0.00017%; no homozygotes.

Submission:

Labcorp Genetics (formerly Invitae), Labcorp
Classification: Uncertain significance for Candidiasis, familial, 8. Last evaluated: 2020-09-19. Review status: criteria provided, single submitter. Criteria: Invitae Variant Classification Sherloc (09022015). Collection method: clinical testing. Allele origin: germline.
Comment: In summary, the available evidence is currently insufficient to determine the role of this variant in disease. Therefore, it has been classified as a Variant of Uncertain Significance. Algorithms developed to predict the effect of missense changes on protein structure and function output the following: SIFT: "Tolerated"; PolyPhen-2: "Benign"; Align-GVGD: "Class C0". The phenylalanine amino acid residue is found in multiple mammalian species, suggesting that this missense change does not adversely affect protein function. These predictions have not been confirmed by published functional studies and their clinical significance is uncertain. This variant has not been reported in the literature in individuals with TRAF3IP2-related conditions. This variant is not present in population databases (ExAC no frequency). This sequence change replaces leucine with phenylalanine at codon 125 of the TRAF3IP2 protein (p.Leu125Phe). The leucine residue is weakly conserved and there is a small physicochemical difference between leucine and phenylalanine.

NM_147686.4(TRAF3IP2):c.373C>T (p.Leu125Phe)

Genes: TRAF3IP2 (TRAF3 interacting protein 2; minus strand), TRAF3IP2-AS1 (TRAF3IP2 antisense RNA 1; plus strand), LOC114803478 (TRAF3IP2 eExon liver enhancer; plus strand). Cytogenetic location: 6q21.
Variant type: single nucleotide variant.
Coding change: c.373C>T on transcript NM_147686.4 (MANE Select); coding-DNA position 373, C replaced by T.
Protein change: p.Leu125Phe; replaces leucine 125 with phenylalanine.
Molecular consequence: missense variant.
Genome position (GRCh38, 1-based): chr6:111,591,714, G>A on the plus strand (C>T on the coding strand, the complement: TRAF3IP2 is on the minus strand). VCF-style: chr6-111591714-G-A. GRCh37 (hg19) VCF-style: chr6-111912917-G-A.
Other names: c.373C>T, p.Leu125Phe (NM_001164281.3); c.400C>T, p.Leu134Phe (NM_147200.3); short protein forms L134F, L125F.
Identifiers: ClinVar variation 1045651 (VCV001045651.7), dbSNP rs1796525340, ClinGen allele CA365368556.